The following is an entry in ClinVar:

ClinVar aggregate classification (germline): Uncertain significance. Review status: criteria provided, multiple submitters, no conflicts (2 of 4 stars). 4 submissions from 4 submitters: Uncertain significance (4). Last evaluated 2026-07-28.

Conditions:
Cardiomyopathy (CMYO). Also called: Cardiomyopathies. Identifiers: Orphanet 167848, MedGen C0878544, MONDO:0004994, HP:0001638. Inheritance: Various modes of inheritance.
Hypertrophic cardiomyopathy. Also called: HYPERTROPHIC MYOCARDIOPATHY. Identifiers: Orphanet 217569, MedGen C0007194, MeSH D002312, MONDO:0005045, HP:0001639.

gnomAD v4.1: 2 of 1,614,182 alleles (0.00012%); highest among the groups gnomAD compares: Admixed American, 0.0017%; no homozygotes.

Submissions (4):

GeneDx
Classification: Uncertain significance. Last evaluated: 2026-07-28. Review status: criteria provided, single submitter. Criteria: GeneDx Variant Classification Process June 2021. Collection method: clinical testing. Allele origin: germline.
Comment: Not observed at significant frequency in large population cohorts (gnomAD); In silico analysis supports that this missense variant has a deleterious effect on protein structure/function; Has not been previously published as pathogenic or benign to our knowledge

Labcorp Genetics (formerly Invitae), Labcorp
Classification: Uncertain significance for Hypertrophic cardiomyopathy. Last evaluated: 2026-01-21. Review status: criteria provided, single submitter. Criteria: Invitae Variant Classification Sherloc (09022015). Collection method: clinical testing. Allele origin: germline.
Comment: This sequence change replaces arginine, which is basic and polar, with glycine, which is neutral and non-polar, at codon 1530 of the MYH7 protein (p.Arg1530Gly). This variant is present in population databases (rs397516225, gnomAD 0.006%). This variant has not been reported in the literature in individuals affected with MYH7-related conditions. ClinVar contains an entry for this variant (Variation ID: 432459). Invitae Evidence Modeling of protein sequence and biophysical properties (such as structural, functional, and spatial information, amino acid conservation, physicochemical variation, residue mobility, and thermodynamic stability) indicates that this missense variant is expected to disrupt MYH7 protein function with a positive predictive value of 95%. In summary, the available evidence is currently insufficient to determine the role of this variant in disease. Therefore, it has been classified as a Variant of Uncertain Significance.

Color Diagnostics, LLC DBA Color Health
Classification: Uncertain significance for Cardiomyopathy. Last evaluated: 2025-09-11. Review status: criteria provided, single submitter. Criteria: ACMG Guidelines, 2015. Collection method: clinical testing. Allele origin: germline.
Comment: This missense variant replaces arginine with glycine at codon 1530 of the MYH7 protein. Computational prediction is inconclusive regarding the impact of this variant on protein structure and function. To our knowledge, functional studies have not been reported for this variant. This variant has not been reported in individuals affected with MYH7-related disorders in the literature. This variant has been identified in 2/251416 chromosomes in the general population by the Genome Aggregation Database (gnomAD). The available evidence is insufficient to determine the role of this variant in disease conclusively. Therefore, this variant is classified as a Variant of Uncertain Significance.

All of Us Research Program, National Institutes of Health
Classification: Uncertain significance for Cardiomyopathy. Last evaluated: 2023-08-23. Review status: criteria provided, single submitter. Criteria: ACMG Guidelines, 2015. Collection method: clinical testing. Allele origin: germline. Inheritance: Autosomal dominant inheritance. Observed: 1 variant allele, 1 heterozygote.
Comment: This missense variant replaces arginine with glycine at codon 1530 of the MYH7 protein. Computational prediction is inconclusive regarding the impact of this variant on protein structure and function (internally defined REVEL score threshold 0.5 < inconclusive < 0.7, PMID: 27666373). To our knowledge, functional studies have not been reported for this variant. This variant has not been reported in individuals affected with MYH7-related disorders in the literature. This variant has been identified in 2/251416 chromosomes in the general population by the Genome Aggregation Database (gnomAD). The available evidence is insufficient to determine the role of this variant in disease conclusively. Therefore, this variant is classified as a Variant of Uncertain Significance.

This study involves interpretation of variants in research participants for the purpose of population health screening. Participant phenotype was not available at the time of variant classification. Additional details can be found in publication PMID: 35346344, PMCID: PMC8962531

NM_000257.4(MYH7):c.4588C>G (p.Arg1530Gly)

Genes: MHRT (myosin heavy chain associated RNA transcript; plus strand), MYH7 (myosin heavy chain 7; minus strand). Cytogenetic location: 14q11.2.
Variant type: single nucleotide variant.
Coding change: c.4588C>G on transcript NM_000257.4 (MANE Select); coding-DNA position 4588, C replaced by G.
Protein change: p.Arg1530Gly; replaces arginine 1530 with glycine.
Molecular consequence: missense variant. On other transcripts: non-coding transcript variant (1).
Genome position (GRCh38, 1-based): chr14:23,416,924, G>C on the plus strand (C>G on the coding strand, the complement: MYH7 is on the minus strand). VCF-style: chr14-23416924-G-C. GRCh37 (hg19) VCF-style: chr14-23886133-G-C.
Other names: c.4588C>G (LRG_384t1); short protein forms R1530G.
Identifiers: ClinVar variation 432459 (VCV000432459.5), dbSNP rs397516225, ClinGen allele CA042978.